The following is an entry in ClinVar:

NM_000138.5(FBN1):c.5621G>A (p.Cys1874Tyr)

Gene: FBN1 (fibrillin 1; minus strand). Cytogenetic location: 15q21.1.
Variant type: single nucleotide variant.
Coding change: c.5621G>A on transcript NM_000138.5 (MANE Select); coding-DNA position 5621, G replaced by A.
Protein change: p.Cys1874Tyr; replaces cysteine 1874 with tyrosine.
Molecular consequence: missense variant.
Genome position (GRCh38, 1-based): chr15:48,448,818, C>T on the plus strand (G>A on the coding strand, the complement: FBN1 is on the minus strand). VCF-style: chr15-48448818-C-T. GRCh37 (hg19) VCF-style: chr15-48741015-C-T.
Other names: c.5621G>A, p.Cys1874Tyr (NM_001406716.1); short protein forms C1874Y.
Identifiers: ClinVar variation 4854603 (VCV004854603.2).

ClinVar aggregate classification (germline): Conflicting classifications of pathogenicity. Review status: criteria provided, conflicting classifications (1 of 4 stars). 2 submissions from 2 submitters: Likely pathogenic (1); Uncertain significance (1). Last evaluated 2025-12-23.

Conditions:
Marfan syndrome (MFS). Also called: FBN1-Related Marfan Syndrome; MARFAN SYNDROME, TYPE I; Marfan syndrome type 1; Marfan's syndrome; Marfan syndrome, classic. Identifiers: Orphanet 284963, Orphanet 558, MedGen C0024796, MONDO:0007947, OMIM 154700.
FBN1-related disorder. Also called: FBN1-related disorders.

Submissions (2):

3billion
Classification: Uncertain significance for Marfan syndrome. Last evaluated: 2025-12-23. Review status: criteria provided, single submitter. Criteria: ACMG Guidelines, 2015. Collection method: clinical testing. Allele origin: germline. Affected: yes.
Comment: The variant is not observed in the gnomAD v4.1.0 dataset. Predicted Consequence/Location: Missense variant In silico tool predictions suggest damaging effect of the variant on gene or gene product [REVEL: 0.99 (>=0.6, sensitivity 0.68 and specificity 0.92); 3Cnet: 0.99 (> 0.75, sensitivity 0.96 and precision 0.92)]. Different missense changes at the same codon (p.Cys1874Arg, p.Cys1874Phe) have been reported as pathogenic/likely pathogenic with strong evidence (ClinVar ID: VCV001332763, VCV003066266 /PMID: 33436942). Therefore, this variant is classified as VUS according to the recommendation of ACMG/AMP guideline.

Blueprint Genetics
Classification: Likely pathogenic for FBN1-related disorders. Last evaluated: 2021-04-22. Review status: criteria provided, single submitter. Criteria: ACMG Guidelines, 2015. Collection method: clinical testing. Allele origin: germline. Affected: yes. Observed: 1 variant allele.

Literature cited by the submitters: PubMed 33436942 (cited by 3billion).